The following is an entry in ClinVar:

ClinVar aggregate classification (germline): Pathogenic. Review status: criteria provided, multiple submitters, no conflicts (2 of 4 stars). 10 submissions from 10 submitters: Pathogenic (7). 3 of the submissions do not count toward it. Last evaluated 2025-07-13.

Conditions:
PCCB-related disorder. Also called: PCCB-related condition.
Propionic acidemia (PROP). Also called: KETOTIC HYPERGLYCINEMIA; GLYCINEMIA, KETOTIC; HYPERGLYCINEMIA WITH KETOACIDOSIS AND LEUKOPENIA. Identifiers: Orphanet 35, MedGen C0268579, MONDO:0011628, OMIM 606054, HP:0003571.

Allele frequency attached by ClinVar (database versions not stated): gnomAD 0.00001; gnomAD exomes 0.00001 and below 0.00001; ExAC 0.00004; TOPMed below 0.00001.
gnomAD v4.1: 8 of 1,559,176 alleles (0.00051%); highest among the groups gnomAD compares: Admixed American, 0.0019%; no homozygotes.

Submissions (10):

Labcorp Genetics (formerly Invitae), Labcorp
Classification: Pathogenic for Propionic acidemia. Last evaluated: 2025-07-13. Review status: criteria provided, single submitter. Criteria: Invitae Variant Classification Sherloc (09022015). Collection method: clinical testing. Allele origin: germline.
Comment: This sequence change replaces glutamic acid, which is acidic and polar, with lysine, which is basic and polar, at codon 168 of the PCCB protein (p.Glu168Lys). The frequency data for this variant in the population databases is considered unreliable, as metrics indicate poor data quality at this position in the gnomAD database. This missense change has been observed in individuals with propionic acidemia (PMID: 9683601, 20549364). ClinVar contains an entry for this variant (Variation ID: 12015). Invitae Evidence Modeling of protein sequence and biophysical properties (such as structural, functional, and spatial information, amino acid conservation, physicochemical variation, residue mobility, and thermodynamic stability) indicates that this missense variant is expected to disrupt PCCB protein function with a positive predictive value of 95%. Experimental studies have shown that this missense change affects PCCB function (PMID: 11749052, 12757933). For these reasons, this variant has been classified as Pathogenic.

Natera, Inc.
Classification: Pathogenic for Propionic acidemia. Last evaluated: 2025-04-23. Review status: criteria provided, single submitter. Criteria: Natera Variant Classification Schema (03/2026). Collection method: clinical testing. Allele origin: germline.
Comment: The c.502G>A variant in PCCB is a missense variant predicted to cause substitution of glutamic acid to lysine at amino acid 168. This variant is rare in the general population with a frequency below the threshold expected for the associated phenotype(s). This variant has been observed in one or more individuals affected with the associated recessive disease, as either homozygous or compound heterozygous with a second variant (PMID: 9683601). Given the available evidence, this variant is classified as Pathogenic.

Blueprint Genetics
Classification: Pathogenic for PCCB-related disorders. Last evaluated: 2024-09-09. Review status: criteria provided, single submitter. Criteria: ACMG Guidelines, 2015. Collection method: clinical testing. Allele origin: germline. Affected: yes. Observed: 5 variant alleles.

Women's Health and Genetics/Laboratory Corporation of America, LabCorp
Classification: Pathogenic for Propionic acidemia. Last evaluated: 2022-01-02. Review status: criteria provided, single submitter. Criteria: LabCorp Variant Classification Summary - May 2015. Collection method: clinical testing. Allele origin: germline.
Comment: Variant summary: PCCB c.502G>A (p.Glu168Lys) results in a conservative amino acid change located in the Acetyl-coenzyme A carboxyltransferase, N-terminal domain (IPR011762) of the encoded protein sequence. Four of five in-silico tools predict a damaging effect of the variant on protein function. The variant allele was found at a frequency of 6e-06 in 166868 control chromosomes. c.502G>A has been reported in the literature as homozygous and compound heterozygous genotypes in multiple individuals affected with Propionic Acidemia (example, Rodriguez-Pombo_1998). These data indicate that the variant is very likely to be associated with disease. At least one publication reports experimental evidence evaluating an impact on protein function (example, Perez-Cedra_2003). The most pronounced variant effect results in undetectable levels (approximately 1%) of normal propionyl-CoA carboxylase (PCC) enzyme activity in vitro. Three clinical diagnostic laboratories have submitted clinical-significance assessments for this variant to ClinVar after 2014 without evidence for independent evaluation. All laboratories classified the variant as pathogenic/likely pathogenic. Based on the evidence outlined above, the variant was classified as pathogenic.

Fulgent Genetics
Classification: Pathogenic for Propionic acidemia. Last evaluated: 2021-11-01. Review status: criteria provided, single submitter. Criteria: ACMG Guidelines, 2015. Collection method: clinical testing. Allele origin: unknown.

Mendelics
Classification: Pathogenic for Propionic acidemia. Last evaluated: 2019-05-28. Review status: criteria provided, single submitter. Criteria: Mendelics Assertion Criteria 2017. Collection method: clinical testing. Allele origin: unknown.

Clinical Genetics Service, Universitary Hospital 12 de Octubre
Classification: Pathogenic for Propionic acidemia. Review status: criteria provided, single submitter. Criteria: ACMG Guidelines, 2015. Collection method: clinical testing. Allele origin: germline. Affected: yes.

Counsyl
Classification: Likely pathogenic for Propionic acidemia. Last evaluated: 2017-08-22. Review status: no assertion criteria provided. Collection method: clinical testing. Allele origin: unknown. Not counted in ClinVar's aggregate classification.

OMIM
Classification: Pathogenic for PROPIONIC ACIDEMIA. Last evaluated: 1998-08-01. Review status: no assertion criteria provided. Collection method: literature only. Allele origin: germline. Not counted in ClinVar's aggregate classification.

GeneReviews
No classification provided. Condition: Propionic acidemia. Review status: no classification provided. Collection method: literature only. Allele origin: unknown. Not counted in ClinVar's aggregate classification.

Literature cited by the submitters: PubMed 9683601 (cited by 4 submitters); PubMed 20549364 (cited by Labcorp Genetics (formerly Invitae), Labcorp); PubMed 11749052 (cited by Labcorp Genetics (formerly Invitae), Labcorp); PubMed 12757933 (cited by 3 submitters); PubMed 12007220 (cited by Counsyl); PubMed 22593918 (cited by GeneReviews); NCBI Bookshelf NBK92946 (cited by GeneReviews).

NM_000532.5(PCCB):c.502G>A (p.Glu168Lys)

Gene: PCCB (propionyl-CoA carboxylase subunit beta; plus strand). Cytogenetic location: 3q22.3.
Variant type: single nucleotide variant.
Coding change: c.502G>A on transcript NM_000532.5 (MANE Select); coding-DNA position 502, G replaced by A.
Protein change: p.Glu168Lys; replaces glutamic acid 168 with lysine.
Molecular consequence: missense variant.
Genome position (GRCh38, 1-based): chr3:136,262,024, G>A. VCF-style: chr3-136262024-G-A. GRCh37 (hg19) VCF-style: chr3-135980866-G-A.
Other names: c.562G>A, p.Glu188Lys (NM_001178014.2); short protein forms E168K, E188K.
Identifiers: ClinVar variation 12015 (VCV000012015.21), dbSNP rs121964960, ClinGen allele CA341173.